The following is an entry in ClinVar:

NM_001079866.2(BCS1L):c.610_611del (p.Asp204fs)

Gene: BCS1L (BCS1 ubiquinol-cytochrome c reductase complex chaperone; plus strand). Cytogenetic location: 2q35.
Variant type: Microsatellite.
Coding change: c.610_611del on transcript NM_001079866.2 (MANE Select); coding-DNA positions 610 to 611, 2 bases deleted (GA; older notation c.610_611delGA).
Protein change: p.Asp204fs; shifts the reading frame from aspartic acid 204.
Molecular consequence: frameshift variant. On other transcripts: non-coding transcript variant (1).
Genome position (GRCh38, 1-based): chr2:218,661,908-218,661,909, GA deleted; deleting any 2 consecutive bases within chr2:218,661,905-218,661,909 gives the same sequence; the c. name uses the placement nearest the transcript's 3' end. VCF-style (leftmost placement, unchanged base first): chr2-218661904-CAG-C. GRCh37 (hg19) VCF-style: chr2-219526627-CAG-C.
Other names: c.610_611del, p.Asp204fs (NM_001257342.2, NM_001257343.2, NM_001257344.2 and 10 more transcripts); c.250_251del, p.Asp84fs (NM_001318836.2, NM_001371451.1); c.109_110del, p.Asp37fs (NM_001371452.1, NM_001371453.1, NM_001371454.1 and 3 more transcripts); c.610_611delGA (NM_004328.5); short protein forms D204fs, D37fs, D84fs.
Identifiers: ClinVar variation 1075999 (VCV001075999.8), dbSNP rs778491829, ClinGen allele CA2109703.

ClinVar aggregate classification (germline): Pathogenic. Review status: criteria provided, multiple submitters, no conflicts (2 of 4 stars). 2 submissions from 2 submitters: Pathogenic (2). Last evaluated 2026-02-16.

Conditions:
GRACILE syndrome (FLNMS). Also called: FELLMAN SYNDROME; FINNISH LETHAL NEONATAL METABOLIC SYNDROME. Identifiers: Orphanet 53693, MedGen C1864002, MONDO:0011308, OMIM 603358.

Submissions (2):

Women's Health and Genetics/Laboratory Corporation of America, LabCorp
Classification: Pathogenic for GRACILE syndrome. Last evaluated: 2026-02-16. Review status: criteria provided, single submitter. Criteria: LabCorp Variant Classification Summary - May 2015. Collection method: clinical testing. Allele origin: germline.
Comment: Variant summary: BCS1L c.610_611delGA (p.Asp204ArgfsX7) results in a premature termination codon, predicted to cause a truncation of the encoded protein or absence of the protein due to nonsense mediated decay, which are commonly known mechanisms for disease. The variant allele was found at a frequency of 4e-06 in 251376 control chromosomes. To our knowledge, no occurrence of c.610_611delGA in individuals affected with BCS1L-related conditions and no experimental evidence demonstrating its impact on protein function have been reported. ClinVar contains an entry for this variant (Variation ID: 1075999). Based on the evidence outlined above, the variant was classified as pathogenic.

Labcorp Genetics (formerly Invitae), Labcorp
Classification: Pathogenic. Last evaluated: 2020-07-17. Review status: criteria provided, single submitter. Criteria: Invitae Variant Classification Sherloc (09022015). Collection method: clinical testing. Allele origin: germline.
Comment: This variant is present in population databases (rs778491829, ExAC 0.002%). This variant has not been reported in the literature in individuals with BCS1L-related conditions. Loss-of-function variants in BCS1L are known to be pathogenic (PMID: 17314340, 25895478). For these reasons, this variant has been classified as Pathogenic. This sequence change creates a premature translational stop signal (p.Asp204Argfs*7) in the BCS1L gene. It is expected to result in an absent or disrupted protein product.

Literature cited by the submitters: PubMed 17314340 (cited by Labcorp Genetics (formerly Invitae), Labcorp); PubMed 25895478 (cited by Labcorp Genetics (formerly Invitae), Labcorp).